The following is an entry in ClinVar:

NM_000465.4(BARD1):c.702A>G (p.Glu234=)

Gene: BARD1 (BRCA1 associated RING domain 1; minus strand). Cytogenetic location: 2q35.
Variant type: single nucleotide variant.
Coding change: c.702A>G on transcript NM_000465.4 (MANE Select); coding-DNA position 702, A replaced by G.
Protein change: p.Glu234=; no amino-acid change (glutamic acid 234 retained).
Molecular consequence: synonymous variant. On other transcripts: non-coding transcript variant (2), intron variant (3).
Genome position (GRCh38, 1-based): chr2:214,781,172, T>C on the plus strand (A>G on the coding strand, the complement: BARD1 is on the minus strand). VCF-style: chr2-214781172-T-C. GRCh37 (hg19) VCF-style: chr2-215645896-T-C.
Other names: c.645A>G, p.Glu215= (NM_001282543.2); c.158+28240A>G (NM_001282548.2); c.215+15889A>G (NM_001282545.2); c.364+11125A>G (NM_001282549.2).
Identifiers: ClinVar variation 186349 (VCV000186349.20), dbSNP rs786202878, ClinGen allele CA194556.

ClinVar aggregate classification (germline): Benign/Likely benign. Review status: criteria provided, multiple submitters, no conflicts (2 of 4 stars). 5 submissions from 5 submitters: Benign (1); Likely benign (4). Last evaluated 2025-11-17.

Conditions:
Hereditary cancer-predisposing syndrome. Also called: Neoplastic Syndromes, Hereditary; Tumor predisposition; Hereditary Cancer Syndrome; Hereditary neoplastic syndrome. Identifiers: Orphanet 140162, MedGen C0027672, MeSH D009386, MONDO:0015356.
Familial cancer of breast. Also called: BREAST CANCER, FAMILIAL; Hereditary breast cancer; hereditary breast carcinoma. Identifiers: Orphanet 227535, MedGen C0346153, MONDO:0016419, OMIM 114480. Disease mechanism: loss of function.

gnomAD v4.1: 3 of 1,582,764 alleles (0.00019%); highest among the groups gnomAD compares: Non-Finnish European, 0.00017%; no homozygotes.

Submissions (5):

Labcorp Genetics (formerly Invitae), Labcorp
Classification: Likely benign for Familial cancer of breast. Last evaluated: 2025-11-17. Review status: criteria provided, single submitter. Criteria: Invitae Variant Classification Sherloc (09022015). Collection method: clinical testing. Allele origin: germline.

Myriad Genetics, Inc.
Classification: Benign for Familial cancer of breast. Last evaluated: 2024-07-22. Review status: criteria provided, single submitter. Criteria: Myriad Autosomal Dominant, Autosomal Recessive and X-Linked Classification Criteria (2023). Collection method: clinical testing. Allele origin: unknown.
Comment: This variant is considered benign. This variant is a silent/synonymous amino acid change and it is not expected to impact splicing.

GeneDx
Classification: Likely benign. Last evaluated: 2020-10-30. Review status: criteria provided, single submitter. Criteria: GeneDx Variant Classification Process June 2021. Collection method: clinical testing. Allele origin: germline. Affected: yes.

Color Diagnostics, LLC DBA Color Health
Classification: Likely benign for Hereditary cancer-predisposing syndrome. Last evaluated: 2017-08-21. Review status: criteria provided, single submitter. Criteria: ACMG Guidelines, 2015. Collection method: clinical testing. Allele origin: germline.

Ambry Genetics
Classification: Likely benign for Hereditary cancer-predisposing syndrome. Last evaluated: 2014-09-30. Review status: criteria provided, single submitter. Criteria: Ambry Variant Classification Scheme 2023. Collection method: clinical testing. Allele origin: germline.